The following is an entry in ClinVar:

NM_004973.4(JARID2):c.2806C>G (p.Pro936Ala)

Gene: JARID2 (jumonji and AT-rich interaction domain containing 2; plus strand). Cytogenetic location: 6p22.3.
Variant type: single nucleotide variant.
Coding change: c.2806C>G on transcript NM_004973.4 (MANE Select); coding-DNA position 2806, C replaced by G.
Protein change: p.Pro936Ala; replaces proline 936 with alanine.
Molecular consequence: missense variant.
Genome position (GRCh38, 1-based): chr6:15,508,414, C>G. VCF-style: chr6-15508414-C-G. GRCh37 (hg19) VCF-style: chr6-15508645-C-G.
Other names: c.2290C>G, p.Pro764Ala (NM_001267040.1); short protein forms P764A, P936A.
Identifiers: ClinVar variation 3372647 (VCV003372647.1).

ClinVar aggregate classification (germline): Uncertain significance (1 of 4 stars; one submission).

Submission:

GeneDx
Classification: Uncertain significance. Last evaluated: 2024-04-15. Review status: criteria provided, single submitter. Criteria: GeneDx Variant Classification Process June 2021. Collection method: clinical testing. Allele origin: germline. Affected: yes.
Comment: Not observed at significant frequency in large population cohorts (gnomAD); In silico analysis supports that this missense variant has a deleterious effect on protein structure/function; Has not been previously published as pathogenic or benign to our knowledge